The following is an entry in ClinVar:

ClinVar aggregate classification (germline): Uncertain significance. Review status: criteria provided, multiple submitters, no conflicts (2 of 4 stars). 2 submissions from 2 submitters: Uncertain significance (2). Last evaluated 2025-10-13.

Conditions:
Malignant hyperthermia, susceptibility to, 5 (MHS5). Also called: CACNA1S-Related Malignant Hyperthermia Susceptibility. Identifiers: Orphanet 423, MedGen C1866077, MONDO:0011163, OMIM 601887.
Hypokalemic periodic paralysis, type 1. Also called: Hypokalemic Periodic Paralysis Type 1 (AD); HypoPP. Identifiers: Orphanet 681, MedGen C3714580, MONDO:0042979, OMIM 170400.

Allele frequency attached by ClinVar (database versions not stated): TOPMed below 0.00001; gnomAD 0.00001.
gnomAD v4.1: 1 of 1,613,976 alleles (0.000062%); highest among the groups gnomAD compares: Non-Finnish European, 0.000085%; no homozygotes.

Submissions (2):

Labcorp Genetics (formerly Invitae), Labcorp
Classification: Uncertain significance for Hypokalemic periodic paralysis, type 1; Malignant hyperthermia, susceptibility to, 5. Last evaluated: 2025-10-13. Review status: criteria provided, single submitter. Criteria: Invitae Variant Classification Sherloc (09022015). Collection method: clinical testing. Allele origin: germline.
Comment: This sequence change replaces cysteine, which is neutral and slightly polar, with arginine, which is basic and polar, at codon 529 of the CACNA1S protein (p.Cys529Arg). This variant is not present in population databases (gnomAD no frequency). This variant has not been reported in the literature in individuals affected with CACNA1S-related conditions. ClinVar contains an entry for this variant (Variation ID: 2927730). Invitae Evidence Modeling of protein sequence and biophysical properties (such as structural, functional, and spatial information, amino acid conservation, physicochemical variation, residue mobility, and thermodynamic stability) has been performed for this missense variant. However, the output from this modeling did not meet the statistical confidence thresholds required to predict the impact of this variant on CACNA1S protein function. In summary, the available evidence is currently insufficient to determine the role of this variant in disease. Therefore, it has been classified as a Variant of Uncertain Significance.

Color Diagnostics, LLC DBA Color Health
Classification: Uncertain significance for Malignant hyperthermia, susceptibility to, 5. Last evaluated: 2025-06-30. Review status: criteria provided, single submitter. Criteria: ACMG Guidelines, 2015. Collection method: clinical testing. Allele origin: germline.
Comment: This missense variant replaces cysteine with arginine at codon 529 of the CACNA1S protein. Computational prediction suggests that this variant may have deleterious impact on protein structure and function. To our knowledge, functional studies have not been reported for this variant. This variant has not been reported in individuals affected with CACNA1S-related disorders in the literature. This variant has not been identified in the general population by the Genome Aggregation Database (gnomAD). The available evidence is insufficient to determine the role of this variant in disease conclusively. Therefore, this variant is classified as a Variant of Uncertain Significance.

NM_000069.3(CACNA1S):c.1585T>C (p.Cys529Arg)

Gene: CACNA1S (calcium voltage-gated channel subunit alpha1 S; minus strand). Cytogenetic location: 1q32.1.
Variant type: single nucleotide variant.
Coding change: c.1585T>C on transcript NM_000069.3 (MANE Select); coding-DNA position 1585, T replaced by C.
Protein change: p.Cys529Arg; replaces cysteine 529 with arginine.
Molecular consequence: missense variant.
Genome position (GRCh38, 1-based): chr1:201,077,913, A>G on the plus strand (T>C on the coding strand, the complement: CACNA1S is on the minus strand). VCF-style: chr1-201077913-A-G. GRCh37 (hg19) VCF-style: chr1-201047041-A-G.
Other names: short protein forms C529R.
Identifiers: ClinVar variation 2927730 (VCV002927730.4), dbSNP rs1410202407, ClinGen allele CA344121223.
Genomic context (GRCh38, chr1:201,077,913, plus strand): 5'-GAGTGCCAGCCGACCCCGGCACTCACTTGGTGATCTTGAAGATCCTCAGGAGGCGGATGC[A>G]GCGGAGCACGGAGATGCCCAGGGGTGTCATGGCACCCGACTCCACCAGCAGGATCTCCAG-3'
Protein context (NP_000060.2, residues 519-539): MTPLGISVLR[Cys529Arg]IRLLRIFKIT